The following is an entry in ClinVar:

ClinVar aggregate classification (germline): Uncertain significance. Review status: criteria provided, multiple submitters, no conflicts (2 of 4 stars). 2 submissions from 2 submitters: Uncertain significance (2). Last evaluated 2025-06-28.

Conditions:
Cardiovascular phenotype. Identifiers: MedGen CN230736.

Allele frequency attached by ClinVar (database versions not stated): ExAC 0.00001; gnomAD exomes below 0.00001.
gnomAD v4.1: 1 of 1,582,368 alleles (0.000063%); highest among the groups gnomAD compares: Non-Finnish European, 0.000086%; no homozygotes.

Submissions (2):

Ambry Genetics
Classification: Uncertain significance for Cardiovascular phenotype. Last evaluated: 2025-06-28. Review status: criteria provided, single submitter. Criteria: Ambry Variant Classification Scheme 2023. Collection method: clinical testing. Allele origin: germline.
Comment: The p.Y1165H variant (also known as c.3493T>C), located in coding exon 6 of the ALPK3 gene, results from a T to C substitution at nucleotide position 3493. The tyrosine at codon 1165 is replaced by histidine, an amino acid with similar properties. This amino acid position is conserved. In addition, the in silico prediction for this alteration is inconclusive. Based on the available evidence, the clinical significance of this variant remains unclear.

Labcorp Genetics (formerly Invitae), Labcorp
Classification: Uncertain significance. Last evaluated: 2025-05-01. Review status: criteria provided, single submitter. Criteria: Invitae Variant Classification Sherloc (09022015). Collection method: clinical testing. Allele origin: germline.
Comment: This sequence change replaces tyrosine, which is neutral and polar, with histidine, which is basic and polar, at codon 1165 of the ALPK3 protein (p.Tyr1165His). This variant is present in population databases (rs763922954, gnomAD 0.001%). This variant has not been reported in the literature in individuals affected with ALPK3-related conditions. ClinVar contains an entry for this variant (Variation ID: 2870897). Invitae Evidence Modeling of protein sequence and biophysical properties (such as structural, functional, and spatial information, amino acid conservation, physicochemical variation, residue mobility, and thermodynamic stability) indicates that this missense variant is expected to disrupt ALPK3 protein function with a positive predictive value of 80%. In summary, the available evidence is currently insufficient to determine the role of this variant in disease. Therefore, it has been classified as a Variant of Uncertain Significance.

NM_020778.5(ALPK3):c.2887T>C (p.Tyr963His)

Gene: ALPK3 (alpha kinase 3; plus strand). Cytogenetic location: 15q25.3.
Variant type: single nucleotide variant.
Coding change: c.2887T>C on transcript NM_020778.5 (MANE Select); coding-DNA position 2887, T replaced by C.
Protein change: p.Tyr963His; replaces tyrosine 963 with histidine.
Molecular consequence: missense variant.
Genome position (GRCh38, 1-based): chr15:84,857,625, T>C. VCF-style: chr15-84857625-T-C. GRCh37 (hg19) VCF-style: chr15-85400856-T-C.
Other names: c.3493T>C (NM_020778.4); short protein forms Y963H.
Identifiers: ClinVar variation 2870897 (VCV002870897.4), dbSNP rs763922954, ClinGen allele CA7709514.